The following is an entry in ClinVar:

NM_007055.4(POLR3A):c.*1589G>A

Gene: POLR3A (RNA polymerase III subunit A; minus strand). Cytogenetic location: 10q22.3.
Variant type: single nucleotide variant.
Coding change: c.*1589G>A on transcript NM_007055.4 (MANE Select); 1589 bases downstream of the stop codon, G replaced by A.
Molecular consequence: 3 prime UTR variant.
Genome position (GRCh38, 1-based): chr10:77,975,889, C>T on the plus strand (G>A on the coding strand, the complement: POLR3A is on the minus strand). VCF-style: chr10-77975889-C-T. GRCh37 (hg19) VCF-style: chr10-79735647-C-T.
Identifiers: ClinVar variation 301004 (VCV000301004.6), dbSNP rs16935486, ClinGen allele CA10636051.

ClinVar aggregate classification (germline): Benign. Review status: criteria provided, multiple submitters, no conflicts (2 of 4 stars). 2 submissions from 2 submitters: Benign (2). Last evaluated 2018-01-13.

Conditions:
Leukodystrophy, hypomyelinating, 7, with or without oligodontia and/or hypogonadotropic hypogonadism (HLD7). Also called: LEUKOENCEPHALOPATHY, HYPOMYELINATING, WITH ATAXIA AND DELAYED DENTITION; ATAXIA, DELAYED DENTITION, AND HYPOMYELINATION; LEUKODYSTROPHY, HYPOMYELINATING, 7, WITH OLIGODONTIA; LEUKODYSTROPHY, HYPOMYELINATING, 7, WITH OLIGODONTIA AND HYPOGONADOTROPIC HYPOGONADISM; LEUKODYSTROPHY, HYPOMYELINATING, 7, WITHOUT OLIGODONTIA OR HYPOGONADOTROPIC HYPOGONADISM; Ataxia, Delayed Dentition and Hypomyelination (ADDH). Identifiers: Orphanet 137639, Orphanet 447893, Orphanet 447896, Orphanet 77295, Orphanet 88637, MedGen CN034185, MONDO:0011897, OMIM 607694.

Allele frequency attached by ClinVar (database versions not stated): gnomAD 0.02519 and 0.02655; TOPMed 0.02760; 1000 Genomes Project 30x 0.02936; 1000 Genomes Project 0.03035.

Submissions (2):

Illumina Laboratory Services, Illumina
Classification: Benign for Leukodystrophy, hypomyelinating, 7, with or without oligodontia and/or hypogonadotropic hypogonadism. Last evaluated: 2018-01-13. Review status: criteria provided, single submitter. Criteria: ICSL Variant Classification Criteria 13 December 2019. Collection method: clinical testing. Allele origin: germline.
Comment: This variant was observed in the ICSL laboratory as part of a predisposition screen in an ostensibly healthy population. It had not been previously curated by ICSL or reported in the Human Gene Mutation Database (HGMD: prior to June 1st, 2018), and was therefore a candidate for classification through an automated scoring system. Utilizing variant allele frequency, disease prevalence and penetrance estimates, and inheritance mode, an automated score was calculated to assess if this variant is too frequent to cause the disease. Based on the score and internal cut-off values, a variant classified as benign is not then subjected to further curation. The score for this variant resulted in a classification of benign for this disease.

Breakthrough Genomics
Classification: Benign. Review status: criteria provided, single submitter. Criteria: ACMG Guidelines, 2015. Collection method: not provided. Allele origin: germline. Inheritance: Autosomal recessive inheritance. Affected: yes.